The following is an entry in ClinVar:

ClinVar aggregate classification (germline): Likely benign (1 of 4 stars; one submission).

Allele frequency attached by ClinVar (database versions not stated): ESP Exome Variant Server 0.00025; gnomAD 0.00033; TOPMed 0.00047; ExAC 0.00070.
gnomAD v4.1: 393 of 1,591,346 alleles (0.025%); highest among the groups gnomAD compares: Middle Eastern, 0.066%; 4 homozygotes.

Submission:

CeGaT Center for Human Genetics Tuebingen
Classification: Likely benign. Last evaluated: 2023-01-01. Review status: criteria provided, single submitter. Criteria: CeGaT Center For Human Genetics Tuebingen Variant Classification Criteria Version 2. Collection method: clinical testing. Allele origin: germline. Affected: yes. Observed: 1 variant allele.
Comment: NEURL1: BP4, BP7

NM_004210.5(NEURL1):c.1254C>A (p.Ala418=)

Gene: NEURL1 (neuralized E3 ubiquitin protein ligase 1; plus strand). Cytogenetic location: 10q24.33.
Variant type: single nucleotide variant.
Coding change: c.1254C>A on transcript NM_004210.5 (MANE Select); coding-DNA position 1254, C replaced by A.
Protein change: p.Ala418=; no amino-acid change (alanine 418 retained).
Molecular consequence: synonymous variant.
Genome position (GRCh38, 1-based): chr10:103,585,140, C>A. VCF-style: chr10-103585140-C-A. GRCh37 (hg19) VCF-style: chr10-105344897-C-A.
Identifiers: ClinVar variation 2640810 (VCV002640810.24), dbSNP rs371723689, ClinGen allele CA5675266.